The following is an entry in ClinVar:

NM_203446.3(SYNJ1):c.1257T>G (p.Thr419=)

Gene: SYNJ1 (synaptojanin 1; minus strand). Cytogenetic location: 21q22.11.
Variant type: single nucleotide variant.
Coding change: c.1257T>G on transcript NM_203446.3 (MANE Select); coding-DNA position 1257, T replaced by G.
Protein change: p.Thr419=; no amino-acid change (threonine 419 retained).
Molecular consequence: synonymous variant.
Genome position (GRCh38, 1-based): chr21:32,681,592, A>C on the plus strand (T>G on the coding strand, the complement: SYNJ1 is on the minus strand). VCF-style: chr21-32681592-A-C. GRCh37 (hg19) VCF-style: chr21-34053902-A-C.
Other names: c.1257T>G, p.Thr419= (NM_001160302.2, NM_001160306.2); c.1374T>G, p.Thr458= (NM_003895.4); c.1374T>G (NM_003895.3).
Identifiers: ClinVar variation 1156265 (VCV001156265.12), dbSNP rs76972835, ClinGen allele CA10003931.
Genomic context (GRCh38, chr21:32,681,592, plus strand): 5'-TATCTTACTGATTGAATCACCATTCACGGACCACATTGACCGAAAAACTTCTTGAAAGCG[A>C]GTCACCAACTGAGGCTTTTCAGCTAAACCAAGAGCTTCCAACTGTTTAGCTAGCATCTTA-3'
Protein context (NP_982271.3, residues 409-429): LGLAEKPQLV[Thr419=]RFQEVFRSMW

ClinVar aggregate classification (germline): Likely benign. Review status: criteria provided, multiple submitters, no conflicts (2 of 4 stars). 3 submissions from 3 submitters: Likely benign (2). 1 of the submissions does not count toward it. Last evaluated 2026-01-28.

Conditions:
SYNJ1-related disorder. Also called: SYNJ1-related condition.
Early-onset Parkinson disease 20. Also called: PARKINSON DISEASE 20, AUTOSOMAL RECESSIVE EARLY-ONSET. Identifiers: Orphanet 391411, MedGen C3809824, MONDO:0014233, OMIM 615530.
Developmental and epileptic encephalopathy, 53. Also called: Epileptic encephalopathy, early infantile, 53. Identifiers: MedGen C4479313, MONDO:0033362, OMIM 617389.

Allele frequency attached by ClinVar (database versions not stated): gnomAD exomes 0.00005; ExAC 0.00007; gnomAD 0.00013; TOPMed 0.00020; ESP Exome Variant Server 0.00038; 1000 Genomes Project 0.00040; 1000 Genomes Project 30x 0.00062.
gnomAD v4.1: 46 of 1,613,924 alleles (0.0029%); highest among the groups gnomAD compares: African/African-American, 0.047%; no homozygotes.

Submissions (3):

Labcorp Genetics (formerly Invitae), Labcorp
Classification: Likely benign for Developmental and epileptic encephalopathy, 53; Early-onset Parkinson disease 20. Last evaluated: 2026-01-28. Review status: criteria provided, single submitter. Criteria: Invitae Variant Classification Sherloc (09022015). Collection method: clinical testing. Allele origin: germline.

Blueprint Genetics
Classification: Likely benign. Last evaluated: 2020-10-01. Review status: criteria provided, single submitter. Criteria: ACMG Guidelines, 2015. Collection method: clinical testing. Allele origin: germline.

PreventionGenetics, part of Exact Sciences
Classification: Likely benign for SYNJ1-related condition. Last evaluated: 2019-08-14. Review status: no assertion criteria provided. Collection method: clinical testing. Allele origin: germline. Not counted in ClinVar's aggregate classification.
Comment: This variant is classified as likely benign based on ACMG/AMP sequence variant interpretation guidelines (Richards et al. 2015 PMID: 25741868, with internal and published modifications).